The following is an entry in ClinVar:

NM_182760.4(SUMF1):c.215G>T (p.Arg72Leu)

Genes: SUMF1 (sulfatase modifying factor 1; minus strand), LOC129936056 (ATAC-STARR-seq lymphoblastoid silent region 14016; plus strand). Cytogenetic location: 3p26.1.
Variant type: single nucleotide variant.
Coding change: c.215G>T on transcript NM_182760.4 (MANE Select); coding-DNA position 215, G replaced by T.
Protein change: p.Arg72Leu; replaces arginine 72 with leucine.
Molecular consequence: missense variant.
Genome position (GRCh38, 1-based): chr3:4,467,031, C>A on the plus strand (G>T on the coding strand, the complement: SUMF1 is on the minus strand). VCF-style: chr3-4467031-C-A. GRCh37 (hg19) VCF-style: chr3-4508715-C-A.
Other names: c.215G>T, p.Arg72Leu (NM_001164674.2, NM_001164675.2); c.215G>T (NM_182760.3); short protein forms R72L.
Identifiers: ClinVar variation 1519874 (VCV001519874.8), dbSNP rs567209740, ClinGen allele CA2230688.

ClinVar aggregate classification (germline): Uncertain significance. Review status: criteria provided, multiple submitters, no conflicts (2 of 4 stars). 4 submissions from 4 submitters: Uncertain significance (4). Last evaluated 2024-12-10.

Conditions:
Inborn genetic diseases. Identifiers: MedGen C0950123, MeSH D030342.
Multiple sulfatase deficiency (MSD). Also called: Mucosulfatidosis; Multiple Sulfatase Deficiency Disease; Sulfatidosis, Juvenile, Austin Type. Identifiers: Orphanet 585, MedGen C0268263, MONDO:0010088, OMIM 272200.

Allele frequency attached by ClinVar (database versions not stated): gnomAD exomes 0.00004; ExAC 0.00005; gnomAD 0.00014 and 0.00015; TOPMed 0.00014; 1000 Genomes Project 0.00040; 1000 Genomes Project 30x 0.00047.
gnomAD v4.1: 64 of 1,582,988 alleles (0.004%); highest among the groups gnomAD compares: African/African-American, 0.07%; 1 homozygote.

Submissions (4):

Ambry Genetics
Classification: Uncertain significance for Inborn genetic diseases. Last evaluated: 2024-12-10. Review status: criteria provided, single submitter. Criteria: Ambry Variant Classification Scheme 2023. Collection method: clinical testing. Allele origin: germline.

Blueprint Genetics
Classification: Uncertain significance. Last evaluated: 2024-09-02. Review status: criteria provided, single submitter. Criteria: ACMG Guidelines, 2015. Collection method: clinical testing. Allele origin: germline.

Labcorp Genetics (formerly Invitae), Labcorp
Classification: Uncertain significance for Multiple sulfatase deficiency. Last evaluated: 2022-10-17. Review status: criteria provided, single submitter. Criteria: Invitae Variant Classification Sherloc (09022015). Collection method: clinical testing. Allele origin: germline.
Comment: This sequence change replaces arginine, which is basic and polar, with leucine, which is neutral and non-polar, at codon 72 of the SUMF1 protein (p.Arg72Leu). The frequency data for this variant in the population databases is considered unreliable, as metrics indicate poor data quality at this position in the gnomAD database. This variant has not been reported in the literature in individuals affected with SUMF1-related conditions. ClinVar contains an entry for this variant (Variation ID: 1519874). Advanced modeling of protein sequence and biophysical properties (such as structural, functional, and spatial information, amino acid conservation, physicochemical variation, residue mobility, and thermodynamic stability) has been performed at Invitae for this missense variant, however the output from this modeling did not meet the statistical confidence thresholds required to predict the impact of this variant on SUMF1 protein function. In summary, the available evidence is currently insufficient to determine the role of this variant in disease. Therefore, it has been classified as a Variant of Uncertain Significance.

Laboratorio de Genetica e Diagnostico Molecular, Hospital Israelita Albert Einstein
Classification: Uncertain significance. Last evaluated: 2019-11-07. Review status: criteria provided, single submitter. Criteria: ACMG Guidelines, 2015. Collection method: clinical testing. Allele origin: germline. Affected: yes.
Comment: ACMG classification criteria: PM2, PP3